The following is an entry in ClinVar:

ClinVar aggregate classification (germline): Uncertain significance (1 of 4 stars; one submission).

Submission:

Ambry Genetics
Classification: Uncertain significance. Last evaluated: 2021-06-26. Review status: criteria provided, single submitter. Criteria: Ambry Variant Classification Scheme 2023. Collection method: clinical testing. Allele origin: germline.
Comment: The p.Q1529E variant (also known as c.4585C>G), located in coding exon 16 of the POLQ gene, results from a C to G substitution at nucleotide position 4585. The glutamine at codon 1529 is replaced by glutamic acid, an amino acid with highly similar properties. This amino acid position is conserved. In addition, this alteration is predicted to be tolerated by in silico analysis. Since supporting evidence is limited at this time, the clinical significance of this alteration remains unclear.

NM_199420.4(POLQ):c.4585C>G (p.Gln1529Glu)

Gene: POLQ (DNA polymerase theta; minus strand). Cytogenetic location: 3q13.33.
Variant type: single nucleotide variant.
Coding change: c.4585C>G on transcript NM_199420.4 (MANE Select); coding-DNA position 4585, C replaced by G.
Protein change: p.Gln1529Glu; replaces glutamine 1529 with glutamic acid.
Molecular consequence: missense variant.
Genome position (GRCh38, 1-based): chr3:121,488,346, G>C on the plus strand (C>G on the coding strand, the complement: POLQ is on the minus strand). VCF-style: chr3-121488346-G-C. GRCh37 (hg19) VCF-style: chr3-121207193-G-C.
Other names: short protein forms Q1529E.
Identifiers: ClinVar variation 1741665 (VCV001741665.2), dbSNP rs2546785765, ClinGen allele CA354094625.